The following is an entry in ClinVar:

NM_001040142.2(SCN2A):c.6002G>A (p.Arg2001Lys)

Gene: SCN2A (sodium voltage-gated channel alpha subunit 2; plus strand). Cytogenetic location: 2q24.3.
Variant type: single nucleotide variant.
Coding change: c.6002G>A on transcript NM_001040142.2 (MANE Select); coding-DNA position 6002, G replaced by A.
Protein change: p.Arg2001Lys; replaces arginine 2001 with lysine.
Molecular consequence: missense variant.
Genome position (GRCh38, 1-based): chr2:165,389,808, G>A. VCF-style: chr2-165389808-G-A. GRCh37 (hg19) VCF-style: chr2-166246318-G-A.
Other names: c.6002G>A, p.Arg2001Lys (NM_001040143.2, NM_001371246.1, NM_001371247.1 and 1 more transcripts); short protein forms R2001K.
Identifiers: ClinVar variation 4793475 (VCV004793475.1).
Genomic context (GRCh38, chr2:165,389,808, plus strand): 5'-CAGAAAAAGAAAAATTTGAAAAAGACAAATCAGAAAAGGAAGACAAAGGGAAAGATATCA[G>A]GGAAAGTAAAAAGTAAAAAGAAACCAAGAATTTTCCATTTTGTGATCAATTGTTTACAGC-3'
Protein context (NP_001035232.1, residues 1991-2005): SEKEDKGKDI[Arg2001Lys]ESKK

ClinVar aggregate classification (germline): Uncertain significance (1 of 4 stars; one submission).

Conditions:
Developmental and epileptic encephalopathy, 11 (DEE11). Also called: Early infantile epileptic encephalopathy 11. Identifiers: Orphanet 1934, MedGen C3150987, MONDO:0013388, OMIM 613721.
Seizures, benign familial infantile, 3 (BFIS3). Also called: Familial neonatal seizures; CONVULSIONS, BENIGN FAMILIAL INFANTILE, 3. Identifiers: Orphanet 140927, Orphanet 306, MedGen C1843140, MONDO:0011904, OMIM 607745.

gnomAD v4.1: 5 of 1,610,454 alleles (0.00031%); highest among the groups gnomAD compares: Admixed American, 0.0067%; no homozygotes.

Submission:

Labcorp Genetics (formerly Invitae), Labcorp
Classification: Uncertain significance for Seizures, benign familial infantile, 3; Developmental and epileptic encephalopathy, 11. Last evaluated: 2026-01-11. Review status: criteria provided, single submitter. Criteria: Invitae Variant Classification Sherloc (09022015). Collection method: clinical testing. Allele origin: germline.
Comment: This sequence change replaces arginine, which is basic and polar, with lysine, which is basic and polar, at codon 2001 of the SCN2A protein (p.Arg2001Lys). This variant is present in population databases (rs771968887, gnomAD 0.01%). This variant has not been reported in the literature in individuals affected with SCN2A-related conditions. Invitae Evidence Modeling of protein sequence and biophysical properties (such as structural, functional, and spatial information, amino acid conservation, physicochemical variation, residue mobility, and thermodynamic stability) has been performed for this missense variant. However, the output from this modeling did not meet the statistical confidence thresholds required to predict the impact of this variant on SCN2A protein function. In summary, the available evidence is currently insufficient to determine the role of this variant in disease. Therefore, it has been classified as a Variant of Uncertain Significance.